The following is an entry in ClinVar:

ClinVar aggregate classification (germline): Uncertain significance (1 of 4 stars; one submission).

gnomAD v4.1: 1 of 1,614,208 alleles (0.000062%); highest among the groups gnomAD compares: Middle Eastern, 0.016%; no homozygotes.

Submission:

Labcorp Genetics (formerly Invitae), Labcorp
Classification: Uncertain significance. Last evaluated: 2025-02-27. Review status: criteria provided, single submitter. Criteria: Invitae Variant Classification Sherloc (09022015). Collection method: clinical testing. Allele origin: germline.
Comment: This sequence change replaces proline, which is neutral and non-polar, with leucine, which is neutral and non-polar, at codon 504 of the SIAE protein (p.Pro504Leu). This variant is present in population databases (no rsID available, gnomAD no frequency). This variant has not been reported in the literature in individuals affected with SIAE-related conditions. An algorithm developed to predict the effect of missense changes on protein structure and function (PolyPhen-2) suggests that this variant is likely to be disruptive. In summary, the available evidence is currently insufficient to determine the role of this variant in disease. Therefore, it has been classified as a Variant of Uncertain Significance.

NM_170601.5(SIAE):c.1511C>T (p.Pro504Leu)

Gene: SIAE (sialic acid acetylesterase; minus strand). Cytogenetic location: 11q24.2.
Variant type: single nucleotide variant.
Coding change: c.1511C>T on transcript NM_170601.5 (MANE Select); coding-DNA position 1511, C replaced by T.
Protein change: p.Pro504Leu; replaces proline 504 with leucine.
Molecular consequence: missense variant.
Genome position (GRCh38, 1-based): chr11:124,637,012, G>A on the plus strand (C>T on the coding strand, the complement: SIAE is on the minus strand). VCF-style: chr11-124637012-G-A. GRCh37 (hg19) VCF-style: chr11-124506908-G-A.
Other names: c.1406C>T, p.Pro469Leu (NM_001199922.2); short protein forms P469L, P504L.
Identifiers: ClinVar variation 4714080 (VCV004714080.1).